The following is an entry in ClinVar:

NM_001008212.2(OPTN):c.76dup (p.His26fs)

Genes: OPTN (optineurin; plus strand), LOC108903148 (10p13 OPTN distal Alu-mediated recombination region; plus strand). Cytogenetic location: 10p13.
Variant type: Duplication.
Coding change: c.76dup on transcript NM_001008212.2 (MANE Select); coding-DNA position 76, one base duplicated (C; older notation c.76dupC).
Protein change: p.His26fs; shifts the reading frame from histidine 26.
Molecular consequence: frameshift variant.
Genome position (GRCh38, 1-based): chr10:13,109,198, C duplicated; the last of 7 consecutive C bases (chr10:13,109,192-13,109,198); duplicating any one gives the same sequence. VCF-style (leftmost placement, unchanged base first): chr10-13109191-A-AC. GRCh37 (hg19) VCF-style: chr10-13151191-A-AC.
Other names: c.76dup, p.His26fs (NM_001008211.1, NM_001008213.1, NM_021980.4); c.76dupC (NM_001008211.1); short protein forms H26fs.
Identifiers: ClinVar variation 1323386 (VCV001323386.10), dbSNP rs753966040, ClinGen allele CA5410499.

ClinVar aggregate classification (germline): Pathogenic/Likely pathogenic. Review status: criteria provided, multiple submitters, no conflicts (2 of 4 stars). 4 submissions from 4 submitters: Pathogenic (2); Likely pathogenic (2). Last evaluated 2025-07-31.

Conditions:
OPTN-related disorder. Also called: OPTN-related disorders; OPTN-related condition.
Amyotrophic lateral sclerosis type 12 (ALS12). Also called: AMYOTROPHIC LATERAL SCLEROSIS 12 WITH OR WITHOUT FRONTOTEMPORAL DEMENTIA. Identifiers: Orphanet 803, MedGen C3150692, MONDO:0013264, OMIM 613435.
Glaucoma 1, open angle, E. Identifiers: MedGen C1842026, MONDO:0007665.
Primary open angle glaucoma (POAG). Also called: OPTN-related open angle glaucoma. Identifiers: MedGen C0339573, MONDO:0100553, OMIM 137760.

Submissions (4):

GeneDx
Classification: Likely pathogenic. Last evaluated: 2025-07-31. Review status: criteria provided, single submitter. Criteria: GeneDx Variant Classification Process June 2021. Collection method: clinical testing. Allele origin: germline. Affected: yes.
Comment: Frameshift variant predicted to result in protein truncation or nonsense mediated decay in a gene for which loss of function is a known mechanism of disease; Not observed at significant frequency in large population cohorts (gnomAD); Has not been previously published as pathogenic or benign to our knowledge

Labcorp Genetics (formerly Invitae), Labcorp
Classification: Pathogenic for Primary open angle glaucoma; Glaucoma 1, open angle, E; Amyotrophic lateral sclerosis type 12. Last evaluated: 2024-12-04. Review status: criteria provided, single submitter. Criteria: Invitae Variant Classification Sherloc (09022015). Collection method: clinical testing. Allele origin: germline.
Comment: This sequence change creates a premature translational stop signal (p.His26Profs*37) in the OPTN gene. It is expected to result in an absent or disrupted protein product. Loss-of-function variants in OPTN are known to be pathogenic (PMID: 20428114). This variant is present in population databases (rs753966040, gnomAD 0.004%). This variant has not been reported in the literature in individuals affected with OPTN-related conditions. ClinVar contains an entry for this variant (Variation ID: 1323386). For these reasons, this variant has been classified as Pathogenic.

PreventionGenetics, part of Exact Sciences
Classification: Likely pathogenic for OPTN-related condition. Last evaluated: 2023-01-30. Review status: criteria provided, single submitter. Criteria: ACMG Guidelines, 2015. Collection method: clinical testing. Allele origin: germline.
Comment: The OPTN c.76dupC variant is predicted to result in a frameshift and premature protein termination (p.His26Profs*37). To our knowledge, this variant has not been reported in the literature. This variant is reported in 0.0040% of alleles in individuals of European (Finnish) descent in gnomAD. Frameshift variants in OPTN are expected to be pathogenic. This variant is interpreted as likely pathogenic.

Revvity Omics, Revvity
Classification: Pathogenic. Last evaluated: 2019-12-16. Review status: criteria provided, single submitter. Criteria: ACMG Guidelines, 2015. Collection method: clinical testing. Allele origin: germline.

Literature cited by the submitters: PubMed 20428114 (cited by Labcorp Genetics (formerly Invitae), Labcorp).